The following is an entry in ClinVar:

NM_000052.7(ATP7A):c.673A>G (p.Met225Val)

Gene: ATP7A (ATPase copper transporting alpha; plus strand). Cytogenetic location: Xq21.1.
Variant type: single nucleotide variant.
Coding change: c.673A>G on transcript NM_000052.7 (MANE Select); coding-DNA position 673, A replaced by G.
Protein change: p.Met225Val; replaces methionine 225 with valine.
Molecular consequence: missense variant.
Genome position (GRCh38, 1-based): chrX:77,989,295, A>G. VCF-style: chrX-77989295-A-G. GRCh37 (hg19) VCF-style: chrX-77244791-A-G.
Other names: c.673A>G, p.Met225Val (NM_001282224.2); short protein forms M225V.
Identifiers: ClinVar variation 451328 (VCV000451328.15), dbSNP rs782619990, ClinGen allele CA10458952.

ClinVar aggregate classification (germline): Conflicting classifications of pathogenicity. Review status: criteria provided, conflicting classifications (1 of 4 stars). 3 submissions from 3 submitters: Uncertain significance (1); Likely benign (2). Last evaluated 2026-05-01.

Conditions:
Menkes kinky-hair syndrome (MNK). Also called: Copper transport disease; Menkes Disease; Classic Menkes Disease. Identifiers: Orphanet 565, MedGen C0022716, MONDO:0010651, OMIM 309400.
X-linked distal spinal muscular atrophy type 3. Also called: NEURONOPATHY, DISTAL HEREDITARY MOTOR, X-LINKED; NEUROPATHY, DISTAL HEREDITARY MOTOR, X-LINKED; ATP7A-Related Distal Motor Neuropathy; SPINAL MUSCULAR ATROPHY, DISTAL, X-LINKED RECESSIVE. Identifiers: Orphanet 139557, MedGen C1845359, MONDO:0010338, OMIM 300489.
Cutis laxa, X-linked (OHS). Also called: Occipital horn syndrome; EDS IX. Identifiers: Orphanet 198, MedGen C0268353, MONDO:0010572, OMIM 304150.

Allele frequency attached by ClinVar (database versions not stated): gnomAD exomes 0.00004 and 0.00005; TOPMed 0.00004; gnomAD 0.00005; ExAC 0.00006.
gnomAD v4.1: 60 of 1,209,431 alleles (0.005%); highest among the groups gnomAD compares: Admixed American, 0.018%; no homozygotes.

Submissions (3):

CeGaT Center for Human Genetics Tuebingen
Classification: Likely benign. Last evaluated: 2026-05-01. Review status: criteria provided, single submitter. Criteria: CeGaT Center For Human Genetics Tuebingen Variant Classification Criteria Version 2. Collection method: clinical testing. Allele origin: germline. Affected: yes. Observed: 1 variant allele.
Comment: ATP7A: BP4, BS2

Labcorp Genetics (formerly Invitae), Labcorp
Classification: Likely benign for X-linked distal spinal muscular atrophy type 3; Cutis laxa, X-linked; Menkes kinky-hair syndrome. Last evaluated: 2026-01-14. Review status: criteria provided, single submitter. Criteria: Invitae Variant Classification Sherloc (09022015). Collection method: clinical testing. Allele origin: germline.

GeneDx
Classification: Uncertain significance. Last evaluated: 2017-08-09. Review status: criteria provided, single submitter. Criteria: GeneDx Variant Classification (06012015). Collection method: clinical testing. Allele origin: germline. Affected: yes.
Comment: A variant of uncertain significance has been identified in the ATP7A gene. The M225V variant has not been published as a pathogenic variant, nor has it been reported as a benign variant to our knowledge. The M225V variant is observed in 1/9264 (0.01%) alleles from individuals of Latino background; of note, this individual was hemizygous for the variant (Lek et al., 2016; 1000 Genomes Consortium et al., 2015; Exome Variant Server). M225V has also been observed in a hemizygous state in multiple unrelated healthy adult males tested at GeneDx. The M225V variant is a conservative amino acid substitution, which is not likely to impact secondary protein structure as these residues share similar properties. This substitution occurs at a position where amino acids with similar properties to Methionine are tolerated across species. In silico analysis is inconsistent in its predictions as to whether or not the variant is damaging to the protein structure/function. Therefore, based on the currently available information, it is unclear whether this variant is a pathogenic variant or a rare benign variant.